The following is an entry in ClinVar:

NM_182493.3(MYLK3):c.1738G>A (p.Glu580Lys)

Gene: MYLK3 (myosin light chain kinase 3; minus strand). Cytogenetic location: 16q11.2.
Variant type: single nucleotide variant.
Coding change: c.1738G>A on transcript NM_182493.3 (MANE Select); coding-DNA position 1738, G replaced by A.
Protein change: p.Glu580Lys; replaces glutamic acid 580 with lysine.
Molecular consequence: missense variant.
Genome position (GRCh38, 1-based): chr16:46,729,058, C>T on the plus strand (G>A on the coding strand, the complement: MYLK3 is on the minus strand). VCF-style: chr16-46729058-C-T. GRCh37 (hg19) VCF-style: chr16-46762970-C-T.
Other names: c.715G>A, p.Glu239Lys (NM_001308301.1); short protein forms E580K, E239K.
Identifiers: ClinVar variation 1470441 (VCV001470441.6), dbSNP rs748855280, ClinGen allele CA8037870.
Genomic context (GRCh38, chr16:46,729,058, plus strand): 5'-GCGGCCGCCCCGCCTCTGATACTCACTACTCCATGACAAGGGTGCAGCTGTGCTTGCTCT[C>T]GAAGGCGTCATAGAGCTGGATCAGGTTCACGTGGCTGAGCTGGTTCATGATGTTGATCTC-3'
Protein context (NP_872299.2, residues 570-590): VNLIQLYDAF[Glu580Lys]SKHSCTLVME

ClinVar aggregate classification (germline): Uncertain significance (1 of 4 stars; one submission).

Allele frequency attached by ClinVar (database versions not stated): ExAC 0.00001.

Submission:

Labcorp Genetics (formerly Invitae), Labcorp
Classification: Uncertain significance. Last evaluated: 2022-12-02. Review status: criteria provided, single submitter. Criteria: Invitae Variant Classification Sherloc (09022015). Collection method: clinical testing. Allele origin: germline.
Comment: In summary, the available evidence is currently insufficient to determine the role of this variant in disease. Therefore, it has been classified as a Variant of Uncertain Significance. Algorithms developed to predict the effect of missense changes on protein structure and function are either unavailable or do not agree on the potential impact of this missense change (SIFT: "Tolerated"; PolyPhen-2: "Probably Damaging"; Align-GVGD: "Class C0"). ClinVar contains an entry for this variant (Variation ID: 1470441). This variant has not been reported in the literature in individuals affected with MYLK3-related conditions. This variant is present in population databases (rs748855280, gnomAD 0.0009%). This sequence change replaces glutamic acid, which is acidic and polar, with lysine, which is basic and polar, at codon 580 of the MYLK3 protein (p.Glu580Lys).